The following is an entry in ClinVar:

NM_001458.5(FLNC):c.2907C>G (p.Ile969Met)

Gene: FLNC (filamin C; plus strand). Cytogenetic location: 7q32.1.
Variant type: single nucleotide variant.
Coding change: c.2907C>G on transcript NM_001458.5 (MANE Select); coding-DNA position 2907, C replaced by G.
Protein change: p.Ile969Met; replaces isoleucine 969 with methionine.
Molecular consequence: missense variant.
Genome position (GRCh38, 1-based): chr7:128,843,891, C>G. VCF-style: chr7-128843891-C-G. GRCh37 (hg19) VCF-style: chr7-128483945-C-G.
Other names: c.2907C>G, p.Ile969Met (NM_001127487.2); short protein forms I969M.
Identifiers: ClinVar variation 2951311 (VCV002951311.3), dbSNP rs368059457, ClinGen allele CA369193539.

ClinVar aggregate classification (germline): Uncertain significance (1 of 4 stars; one submission).

Conditions:
Myofibrillar myopathy 5. Also called: Filaminopathy (type); FILAMINOPATHY, AUTOSOMAL DOMINANT. Identifiers: Orphanet 171445, MedGen C1836050, MONDO:0012289, OMIM 609524.
Distal myopathy with posterior leg and anterior hand involvement. Also called: WILLIAMS DISTAL MYOPATHY. Identifiers: Orphanet 63273, MedGen C3279722, MONDO:0013550, OMIM 614065.
Hypertrophic cardiomyopathy 26. Also called: Cardiomyopathy, familial hypertrophic, 26. Identifiers: Orphanet 75249, MedGen C4310749, MONDO:0014883, OMIM 617047.

Submission:

Labcorp Genetics (formerly Invitae), Labcorp
Classification: Uncertain significance for Distal myopathy with posterior leg and anterior hand involvement; Myofibrillar myopathy 5; Hypertrophic cardiomyopathy 26. Last evaluated: 2023-08-27. Review status: criteria provided, single submitter. Criteria: Invitae Variant Classification Sherloc (09022015). Collection method: clinical testing. Allele origin: germline.
Comment: In summary, the available evidence is currently insufficient to determine the role of this variant in disease. Therefore, it has been classified as a Variant of Uncertain Significance. Advanced modeling of protein sequence and biophysical properties (such as structural, functional, and spatial information, amino acid conservation, physicochemical variation, residue mobility, and thermodynamic stability) has been performed at Invitae for this missense variant, however the output from this modeling did not meet the statistical confidence thresholds required to predict the impact of this variant on FLNC protein function. This variant has not been reported in the literature in individuals affected with FLNC-related conditions. This variant is not present in population databases (gnomAD no frequency). This sequence change replaces isoleucine, which is neutral and non-polar, with methionine, which is neutral and non-polar, at codon 969 of the FLNC protein (p.Ile969Met).